The following is an entry in ClinVar:

NM_025114.4(CEP290):c.3810A>C (p.Leu1270=)

Gene: CEP290 (centrosomal protein 290; minus strand). Cytogenetic location: 12q21.32.
Variant type: single nucleotide variant.
Coding change: c.3810A>C on transcript NM_025114.4 (MANE Select); coding-DNA position 3810, A replaced by C.
Protein change: p.Leu1270=; no amino-acid change (leucine 1270 retained).
Molecular consequence: synonymous variant.
Genome position (GRCh38, 1-based): chr12:88,089,251, T>G on the plus strand (A>C on the coding strand, the complement: CEP290 is on the minus strand). VCF-style: chr12-88089251-T-G. GRCh37 (hg19) VCF-style: chr12-88483028-T-G.
Other names: c.3810A>C (NM_025114.3).
Identifiers: ClinVar variation 2944990 (VCV002944990.4), dbSNP rs769060806, ClinGen allele CA481304427.
Genomic context (GRCh38, chr12:88,089,251, plus strand): 5'-CATTGTTTTGGAGAACTTTTCCTGTTGTGCCAAGGGTAAAGCTCCACTAAACTGTCGTCG[T>G]AGAGACTGAATTGTTTGGCGCAGATGTTTTGCTCTGTTTCTTCCCTCCAAACGAGCATAA-3'
Protein context (NP_079390.3, residues 1260-1280): AKHLRQTIQS[Leu1270=]RRQFSGALPL

ClinVar aggregate classification (germline): Likely benign. Review status: criteria provided, multiple submitters, no conflicts (2 of 4 stars). 2 submissions from 2 submitters: Likely benign (2). Last evaluated 2025-03-17.

Conditions:
CEP290-related disorder. Also called: CEP290-related disorders; CEP290-related condition. Identifiers: MedGen CN239314.
Meckel-Gruber syndrome. Also called: Dysencephalia splachnocystica; DYSENCEPHALIA SPLANCHNOCYSTICA; GRUBER SYNDROME. Identifiers: Orphanet 564, MedGen C0265215, MONDO:0018921.
Joubert syndrome. Also called: Familial aplasia of the vermis; JOUBERT-BOLTSHAUSER SYNDROME. Identifiers: Orphanet 475, MedGen C5979921, MONDO:0018772.
Nephronophthisis. Also called: Juvenile Nephronophthisis. Identifiers: Orphanet 655, MedGen C0687120, MONDO:0019005, HP:0000090.

Submissions (2):

PreventionGenetics, part of Exact Sciences
Classification: Likely benign for CEP290-related condition. Last evaluated: 2025-03-17. Review status: criteria provided, single submitter. Criteria: ACMG Guidelines, 2015. Collection method: clinical testing. Allele origin: germline.
Comment: This variant is classified as likely benign based on ACMG/AMP sequence variant interpretation guidelines (Richards et al. 2015 PMID: 25741868, with internal and published modifications).

Labcorp Genetics (formerly Invitae), Labcorp
Classification: Likely benign for Joubert syndrome; Meckel-Gruber syndrome; Nephronophthisis. Last evaluated: 2023-04-08. Review status: criteria provided, single submitter. Criteria: Invitae Variant Classification Sherloc (09022015). Collection method: clinical testing. Allele origin: germline.